The following is an entry in ClinVar:

ClinVar aggregate classification (germline): Uncertain significance (1 of 4 stars; one submission).

Conditions:
Hereditary diffuse gastric adenocarcinoma (HDGC). Also called: DIFFUSE GASTRIC AND LOBULAR BREAST CANCER SYNDROME. Identifiers: Orphanet 26106, MedGen C1708349, MONDO:0007648, OMIM 137215.

Submission:

Labcorp Genetics (formerly Invitae), Labcorp
Classification: Uncertain significance for Hereditary diffuse gastric adenocarcinoma. Last evaluated: 2022-08-21. Review status: criteria provided, single submitter. Criteria: Invitae Variant Classification Sherloc (09022015). Collection method: clinical testing. Allele origin: germline.
Comment: This sequence change replaces aspartic acid, which is acidic and polar, with alanine, which is neutral and non-polar, at codon 812 of the CDH1 protein (p.Asp812Ala). This variant is not present in population databases (gnomAD no frequency). This variant has not been reported in the literature in individuals affected with CDH1-related conditions. Algorithms developed to predict the effect of missense changes on protein structure and function are either unavailable or do not agree on the potential impact of this missense change (SIFT: "Deleterious"; PolyPhen-2: "Probably Damaging"; Align-GVGD: "Class C0"). In summary, the available evidence is currently insufficient to determine the role of this variant in disease. Therefore, it has been classified as a Variant of Uncertain Significance.

NM_004360.5(CDH1):c.2435A>C (p.Asp812Ala)

Gene: CDH1 (cadherin 1; plus strand). Cytogenetic location: 16q22.1.
Variant type: single nucleotide variant.
Coding change: c.2435A>C on transcript NM_004360.5 (MANE Select); coding-DNA position 2435, A replaced by C.
Protein change: p.Asp812Ala; replaces aspartic acid 812 with alanine.
Molecular consequence: missense variant.
Genome position (GRCh38, 1-based): chr16:68,829,793, A>C. VCF-style: chr16-68829793-A-C. GRCh37 (hg19) VCF-style: chr16-68863696-A-C.
Other names: c.2252A>C, p.Asp751Ala (NM_001317184.2); c.887A>C, p.Asp296Ala (NM_001317185.2); c.470A>C, p.Asp157Ala (NM_001317186.2); short protein forms D157A, D296A, D751A, D812A.
Identifiers: ClinVar variation 1717502 (VCV001717502.6), dbSNP rs878854684, ClinGen allele CA396471380.